The following is an entry in ClinVar:

ClinVar aggregate classification (germline): Likely benign. Review status: criteria provided, multiple submitters, no conflicts (2 of 4 stars). 4 submissions from 4 submitters: Likely benign (2). 2 of the submissions do not count toward it. Last evaluated 2026-01-19.

Conditions:
Cystic fibrosis (CF). Also called: MUCOVISCIDOSIS. Identifiers: Orphanet 586, MedGen C0010674, MONDO:0009061, OMIM 219700. Disease mechanism: loss of function.
CFTR-related disorder (CFTR-RD). Also called: CFTR-related condition; CFTR-related disorders. Identifiers: MedGen C5924204, MONDO:7770004.

Allele frequency attached by ClinVar (database versions not stated): TOPMed below 0.00001; ExAC 0.00003; gnomAD exomes below 0.00001 and 0.00002; gnomAD 0.00001.
gnomAD v4.1: 9 of 1,540,344 alleles (0.00058%); highest among the groups gnomAD compares: East Asian, 0.018%; no homozygotes.

Submissions (4):

Labcorp Genetics (formerly Invitae), Labcorp
Classification: Likely benign for Cystic fibrosis. Last evaluated: 2026-01-19. Review status: criteria provided, single submitter. Criteria: Invitae Variant Classification Sherloc (09022015). Collection method: clinical testing. Allele origin: germline.

Ambry Genetics
Classification: Likely benign for Cystic fibrosis. Last evaluated: 2022-05-11. Review status: criteria provided, single submitter. Criteria: Ambry Variant Classification Scheme 2023. Collection method: clinical testing. Allele origin: germline.

PreventionGenetics, part of Exact Sciences
Classification: Likely benign for CFTR-related condition. Last evaluated: 2021-08-09. Review status: no assertion criteria provided. Collection method: clinical testing. Allele origin: germline. Not counted in ClinVar's aggregate classification.
Comment: This variant is classified as likely benign based on ACMG/AMP sequence variant interpretation guidelines (Richards et al. 2015 PMID: 25741868, with internal and published modifications).

Natera, Inc.
Classification: Likely benign for Cystic Fibrosis. Last evaluated: 2020-09-16. Review status: no assertion criteria provided. Collection method: clinical testing. Allele origin: germline. Not counted in ClinVar's aggregate classification.

NM_000492.4(CFTR):c.2460A>T (p.Ile820=)

Gene: CFTR (CF transmembrane conductance regulator; plus strand). Cytogenetic location: 7q31.2.
Variant type: single nucleotide variant.
Coding change: c.2460A>T on transcript NM_000492.4 (MANE Select); coding-DNA position 2460, A replaced by T.
Protein change: p.Ile820=; no amino-acid change (isoleucine 820 retained).
Molecular consequence: synonymous variant.
Genome position (GRCh38, 1-based): chr7:117,592,627, A>T. VCF-style: chr7-117592627-A-T. GRCh37 (hg19) VCF-style: chr7-117232681-A-T.
Identifiers: ClinVar variation 706908 (VCV000706908.15), dbSNP rs369664216, ClinGen allele CA4451184.
Genomic context (GRCh38, chr7:117,592,627, plus strand): 5'-AAACTTGACTGAACTGGATATATATTCAAGAAGGTTATCTCAAGAAACTGGCTTGGAAAT[A>T]AGTGAAGAAATTAACGAAGAAGACTTAAAGGTAGGTATACATCGCTTGGGGGTATTTCAC-3'
Protein context (NP_000483.3, residues 810-830): RRLSQETGLE[Ile820=]SEEINEEDLK